The following is an entry in ClinVar:

NM_001286445.3(RIPOR2):c.759+52G>T

Gene: RIPOR2 (RHO family interacting cell polarization regulator 2; minus strand). Cytogenetic location: 6p22.3.
Variant type: single nucleotide variant.
Coding change: c.759+52G>T on transcript NM_001286445.3 (MANE Select); 52 bases into the intron after coding-DNA position 759, G replaced by T.
Molecular consequence: intron variant.
Genome position (GRCh38, 1-based): chr6:24,852,523, C>A on the plus strand (G>T on the coding strand, the complement: RIPOR2 is on the minus strand). VCF-style: chr6-24852523-C-A. GRCh37 (hg19) VCF-style: chr6-24852751-C-A.
Other names: c.672+52G>T (NM_001346031.2, NM_014722.5, NM_001346032.2 and 2 more transcripts); c.774+52G>T (NM_001286446.3).
Identifiers: ClinVar variation 682516 (VCV000682516.1), dbSNP rs9467333, ClinGen allele CA12317991.

ClinVar aggregate classification (germline): Benign (1 of 4 stars; one submission).

Allele frequency attached by ClinVar (database versions not stated): ESP Exome Variant Server 0.16032; TOPMed 0.17326; gnomAD 0.17371 and 0.17670; 1000 Genomes Project 30x 0.18770; 1000 Genomes Project 0.19050.
gnomAD v4.1: 241,221 of 1,325,728 alleles (18%); highest among the groups gnomAD compares: South Asian, 26%; 23,186 homozygotes.

Submission:

GeneDx
Classification: Benign. Last evaluated: 2018-06-16. Review status: criteria provided, single submitter. Criteria: GeneDx Variant Classification (06012015). Collection method: clinical testing. Allele origin: germline. Affected: yes.
Comment: This variant is considered likely benign or benign based on one or more of the following criteria: it is a conservative change, it occurs at a poorly conserved position in the protein, it is predicted to be benign by multiple in silico algorithms, and/or has population frequency not consistent with disease.